The following is an entry in ClinVar:

NC_000008.10:g.87644975_87755887del

Gene: CNGB3 (cyclic nucleotide gated channel subunit beta 3; minus strand). Cytogenetic location: 8q21.3.
Variant type: Deletion.
Identifiers: ClinVar variation 4852775 (VCV004852775.1).

ClinVar aggregate classification (germline): Pathogenic (1 of 4 stars; one submission).

Conditions:
Achromatopsia 3 (ACHM3). Also called: ACHROMATOPSIA WITH MYOPIA; PINGELAPESE BLINDNESS; TOTAL COLORBLINDNESS WITH MYOPIA; ROD MONOCHROMACY 1; ROD MONOCHROMATISM 1. Identifiers: Orphanet 49382, MedGen C1849792, MONDO:0009875, OMIM 262300.

Submission:

Diagnostics Services (NGS), CSIR - Centre For Cellular And Molecular Biology
Classification: Pathogenic for Achromatopsia 3. Last evaluated: 2026-04-28. Review status: criteria provided, single submitter. Criteria: ACMG Guidelines, 2015. Collection method: clinical testing. Allele origin: germline. Affected: yes. Observed: 1 variant allele, 1 homozygote.
Comment: A ~110.9 kb homozygous deletion [8q21.3(87644975-87755887)x0] encompassing exon 1-11 region of CNGB3 gene. The deletion region is not present in the publicly available population databases (for CNV) like 1000 Genomes. Overlapping bigger and smaller regions are present in gnomAD and DGV. Overlapping bigger deletions in this region have been reported to clinical databases like DECIPHER and ClinVar as ‘Pathogenic/Likely Pathogenic/Uncertain significance’ by multiple submitters.